The following is an entry in ClinVar:

NM_007254.4(PNKP):c.867C>T (p.Asp289=)

Gene: PNKP (polynucleotide kinase 3'-phosphatase; minus strand). Cytogenetic location: 19q13.33.
Variant type: single nucleotide variant.
Coding change: c.867C>T on transcript NM_007254.4 (MANE Select); coding-DNA position 867, C replaced by T.
Protein change: p.Asp289=; no amino-acid change (aspartic acid 289 retained).
Molecular consequence: synonymous variant.
Genome position (GRCh38, 1-based): chr19:49,862,607, G>A on the plus strand (C>T on the coding strand, the complement: PNKP is on the minus strand). VCF-style: chr19-49862607-G-A. GRCh37 (hg19) VCF-style: chr19-50365864-G-A.
Other names: c.867C>T (NM_007254.3).
Identifiers: ClinVar variation 1121388 (VCV001121388.14), dbSNP rs771239062, ClinGen allele CA9586728.

ClinVar aggregate classification (germline): Likely benign. Review status: criteria provided, multiple submitters, no conflicts (2 of 4 stars). 4 submissions from 4 submitters: Likely benign (3). 1 of the submissions does not count toward it. Last evaluated 2026-09-01.

Conditions:
PNKP-related disorder. Also called: PNKP-related condition; PNKP-related disorders.
Developmental and epileptic encephalopathy, 12 (DEE12). Identifiers: MedGen C3150988, MONDO:0013389, OMIM 613722.

Allele frequency attached by ClinVar (database versions not stated): ExAC 0.00003.
gnomAD v4.1: 13 of 1,613,720 alleles (0.00081%); highest among the groups gnomAD compares: Admixed American, 0.0033%; no homozygotes.

Submissions (4):

CeGaT Center for Human Genetics Tuebingen
Classification: Likely benign. Last evaluated: 2026-09-01. Review status: criteria provided, single submitter. Criteria: CeGaT Center For Human Genetics Tuebingen Variant Classification Criteria Version 2. Collection method: clinical testing. Allele origin: germline. Affected: yes. Observed: 1 variant allele.
Comment: PNKP: BP4, BP7

Labcorp Genetics (formerly Invitae), Labcorp
Classification: Likely benign for Developmental and epileptic encephalopathy, 12. Last evaluated: 2026-01-21. Review status: criteria provided, single submitter. Criteria: Invitae Variant Classification Sherloc (09022015). Collection method: clinical testing. Allele origin: germline.

GeneDx
Classification: Likely benign. Last evaluated: 2018-07-27. Review status: criteria provided, single submitter. Criteria: GeneDx Variant Classification Process June 2021. Collection method: clinical testing. Allele origin: germline. Affected: yes.

PreventionGenetics, part of Exact Sciences
Classification: Likely benign for PNKP-related condition. Last evaluated: 2022-05-13. Review status: no assertion criteria provided. Collection method: clinical testing. Allele origin: germline. Not counted in ClinVar's aggregate classification.
Comment: This variant is classified as likely benign based on ACMG/AMP sequence variant interpretation guidelines (Richards et al. 2015 PMID: 25741868, with internal and published modifications).